The following is an entry in ClinVar:

ClinVar aggregate classification (germline): Uncertain significance. Review status: criteria provided, multiple submitters, no conflicts (2 of 4 stars). 2 submissions from 2 submitters: Uncertain significance (2). Last evaluated 2023-12-04.

Conditions:
Hereditary cancer-predisposing syndrome. Also called: Tumor predisposition; Neoplastic Syndromes, Hereditary; Hereditary Cancer Syndrome; Hereditary neoplastic syndrome. Identifiers: Orphanet 140162, MedGen C0027672, MeSH D009386, MONDO:0015356.

Submissions (2):

Color Diagnostics, LLC DBA Color Health
Classification: Uncertain significance for Hereditary cancer-predisposing syndrome. Last evaluated: 2023-12-04. Review status: criteria provided, single submitter. Criteria: ACMG Guidelines, 2015. Collection method: clinical testing. Allele origin: germline.
Comment: This missense variant replaces alanine with proline at codon 1954 of the ATM protein. Computational prediction is inconclusive regarding the impact of this variant on protein structure and function (internally defined REVEL score threshold 0.5 < inconclusive < 0.7, PMID: 27666373). To our knowledge, functional studies have not been reported for this variant. This variant has not been reported in individuals affected with ATM-related disorders in the literature. This variant has not been identified in the general population by the Genome Aggregation Database (gnomAD). The available evidence is insufficient to determine the role of this variant in disease conclusively. Therefore, this variant is classified as a Variant of Uncertain Significance.

Ambry Genetics
Classification: Uncertain significance for Hereditary cancer-predisposing syndrome. Last evaluated: 2019-04-01. Review status: criteria provided, single submitter. Criteria: Ambry Variant Classification Scheme 2023. Collection method: clinical testing. Allele origin: germline.
Comment: The p.A1954P variant (also known as c.5860G>C), located in coding exon 38 of the ATM gene, results from a G to C substitution at nucleotide position 5860. The alanine at codon 1954 is replaced by proline, an amino acid with highly similar properties. This amino acid position is highly conserved in available vertebrate species. In addition, the in silico prediction for this alteration is inconclusive. Since supporting evidence is limited at this time, the clinical significance of this alteration remains unclear.

NM_000051.4(ATM):c.5860G>C (p.Ala1954Pro)

Genes: ATM (ATM serine/threonine kinase; plus strand), C11orf65 (chromosome 11 open reading frame 65; minus strand). Cytogenetic location: 11q22.3.
Variant type: single nucleotide variant.
Coding change: c.5860G>C on transcript NM_000051.4 (MANE Select); coding-DNA position 5860, G replaced by C.
Protein change: p.Ala1954Pro; replaces alanine 1954 with proline.
Molecular consequence: missense variant. On other transcripts: intron variant (2).
Genome position (GRCh38, 1-based): chr11:108,310,257, G>C. VCF-style: chr11-108310257-G-C. GRCh37 (hg19) VCF-style: chr11-108180984-G-C.
Other names: c.5860G>C, p.Ala1954Pro (NM_001351834.2); c.641-1186C>G (NM_001330368.2); c.*39-1186C>G (NM_001351110.2); short protein forms A1954P.
Identifiers: ClinVar variation 826015 (VCV000826015.9), dbSNP rs1591746248, ClinGen allele CA382548480.
Genomic context (GRCh38, chr11:108,310,257, plus strand): 5'-CTGGATTTAAATTATCTAGAAGTTGCCAAGGTAGCTCAGTCTTGTGCTGCTCACTTTACA[G>C]CTTTACTCTATGCAGAAATCTATGCAGATAAGAAAAGTATGGATGATCAAGAGAAAAGGT-3'
Protein context (NP_000042.3, residues 1944-1964): VAQSCAAHFT[Ala1954Pro]LLYAEIYADK